The following is an entry in ClinVar:

ClinVar aggregate classification (germline): Benign. Review status: criteria provided, multiple submitters, no conflicts (2 of 4 stars). 2 submissions from 2 submitters: Benign (2). Last evaluated 2018-01-13.

Conditions:
Occult macular dystrophy (OCMD). Also called: OCCULT MACULAR DYSTROPHY, SUSCEPTIBILITY TO; OMD. Identifiers: Orphanet 247834, MedGen C3150833, MONDO:0013316, OMIM 613587, HP:0030636.

Allele frequency attached by ClinVar (database versions not stated): gnomAD exomes 0.00477; ExAC 0.00580; gnomAD 0.01760 and 0.01891; 1000 Genomes Project 0.01857; ESP Exome Variant Server 0.01913; TOPMed 0.02005; 1000 Genomes Project 30x 0.02030.
gnomAD v4.1: 5,623 of 1,613,842 alleles (0.35%); highest among the groups gnomAD compares: African/African-American, 6%; 160 homozygotes.

Submissions (8):

Illumina Laboratory Services, Illumina
Classification: Benign for Occult macular dystrophy. Last evaluated: 2018-01-13. Review status: criteria provided, single submitter. Criteria: ICSL Variant Classification Criteria 13 December 2019. Collection method: clinical testing. Allele origin: germline.
Comment: This variant was observed in the ICSL laboratory as part of a predisposition screen in an ostensibly healthy population. It had not been previously curated by ICSL or reported in the Human Gene Mutation Database (HGMD: prior to June 1st, 2018), and was therefore a candidate for classification through an automated scoring system. Utilizing variant allele frequency, disease prevalence and penetrance estimates, and inheritance mode, an automated score was calculated to assess if this variant is too frequent to cause the disease. Based on the score and internal cut-off values, a variant classified as benign is not then subjected to further curation. The score for this variant resulted in a classification of benign for this disease.

Breakthrough Genomics
Classification: Benign. Review status: criteria provided, single submitter. Criteria: ACMG Guidelines, 2015. Collection method: not provided. Allele origin: germline. Inheritance: Autosomal recessive inheritance. Affected: yes.

Dr. Peter K. Rogan Lab, Western University
No classification provided (evidence only). Condition: Thyroid cancer, nonmedullary, 1. Review status: no classification provided. Collection method: in vitro. Allele origin: not applicable. Functional consequence: retained intron. Not counted in ClinVar's aggregate classification.

Dr. Peter K. Rogan Lab, Western University
No classification provided (evidence only). Condition: Uterine corpus endometrial carcinoma. Review status: no classification provided. Collection method: in vitro. Allele origin: not applicable. Functional consequence: retained intron. Not counted in ClinVar's aggregate classification.

Dr. Peter K. Rogan Lab, Western University
No classification provided (evidence only). Condition: Uterine corpus endometrial carcinoma. Review status: no classification provided. Collection method: in vitro. Allele origin: not applicable. Functional consequence: retained intron. Not counted in ClinVar's aggregate classification.

Dr. Peter K. Rogan Lab, Western University
No classification provided (evidence only). Condition: Cervical cancer. Review status: no classification provided. Collection method: in vitro. Allele origin: not applicable. Functional consequence: retained intron. Not counted in ClinVar's aggregate classification.

Dr. Peter K. Rogan Lab, Western University
No classification provided (evidence only). Condition: Ovarian serous cystadenocarcinoma. Review status: no classification provided. Collection method: in vitro. Allele origin: not applicable. Functional consequence: retained intron. Not counted in ClinVar's aggregate classification.

Dr. Peter K. Rogan Lab, Western University
No classification provided (evidence only). Condition: Uterine carcinosarcoma. Review status: no classification provided. Collection method: in vitro. Allele origin: not applicable. Functional consequence: retained intron. Not counted in ClinVar's aggregate classification.

NM_178857.6(RP1L1):c.2172G>A (p.Ser724=)

Gene: RP1L1 (RP1 like 1). Cytogenetic location: 8p23.1.
Variant type: single nucleotide variant.
Coding change: c.2172G>A on transcript NM_178857.6 (MANE Select); coding-DNA position 2172, G replaced by A.
Protein change: p.Ser724=; no amino-acid change (serine 724 retained).
Molecular consequence: synonymous variant.
Genome position (GRCh38, 1-based): chr8:10,611,926, C>T on the plus strand (G>A on the coding strand, the complement: RP1L1 is on the minus strand). VCF-style: chr8-10611926-C-T. GRCh37 (hg19) VCF-style: chr8-10469436-C-T.
Other names: NC_000008.10:g.10469436C>T.
Identifiers: ClinVar variation 361356 (VCV000361356.7), dbSNP rs73662876, ClinGen allele CA4624923.